The following is an entry in ClinVar:

ClinVar aggregate classification (germline): Uncertain significance (0 of 4 stars; one submission).

Conditions:
Thrombophilia due to protein S deficiency, autosomal dominant (THPH5). Identifiers: Orphanet 26349, Orphanet 743, MedGen C3278211, MONDO:0012868, OMIM 612336. Disease mechanism: loss of function.

Submission:

Department of Transfusion Medicine and Hemostaseology, University Hospital Erlangen
Classification: Uncertain significance for Thrombophilia due to protein S deficiency, autosomal dominant. Last evaluated: 2025-09-01. Review status: no assertion criteria provided. Collection method: clinical testing. Allele origin: germline.
Comment: This variant was identified during a screening of patients with suspected hereditary Protein S deficiency. Currently, no literature is available describing this variant and it is not listed in any public population database. Several in silico variant effect prediction tools (PolyPhen-2, SIFT, AlphaMissense) classify this variant as likely pathogenic. Taken together we classified this variant as of uncertain significance.

NM_000313.4(PROS1):c.181G>A (p.Glu61Lys)

Gene: PROS1 (protein S; minus strand). Cytogenetic location: 3q11.1.
Variant type: single nucleotide variant.
Coding change: c.181G>A on transcript NM_000313.4 (MANE Select); coding-DNA position 181, G replaced by A.
Protein change: p.Glu61Lys; replaces glutamic acid 61 with lysine.
Molecular consequence: missense variant.
Genome position (GRCh38, 1-based): chr3:93,927,303, C>T on the plus strand (G>A on the coding strand, the complement: PROS1 is on the minus strand). VCF-style: chr3-93927303-C-T. GRCh37 (hg19) VCF-style: chr3-93646147-C-T.
Other names: c.277G>A, p.Glu93Lys (NM_001314077.2); short protein forms E61K, E93K.
Identifiers: ClinVar variation 4529454 (VCV004529454.1).
Genomic context (GRCh38, chr3:93,927,303, plus strand): 5'-TGCTTACCGTTTCCGGGTCATTTTCAAAGACCTCCCTGGCTTCTTCTTTATTGCACAGTT[C>T]TTCGATGCATTCTCTTTCAAGATTACCCTGTTTGGTTTCTTCAAGTAAAGAATTTGCACG-3'
Protein context (NP_000304.2, residues 51-71): QGNLERECIE[Glu61Lys]LCNKEEAREV